The following is an entry in ClinVar:

ClinVar aggregate classification (germline): Uncertain significance (1 of 4 stars; one submission).

Conditions:
Naxos disease (NXD). Also called: KERATOSIS PALMOPLANTARIS WITH ARRHYTHMOGENIC CARDIOMYOPATHY; MAL DE NAXOS; PALMOPLANTAR KERATODERMA WITH ARRHYTHMOGENIC RIGHT VENTRICULAR CARDIOMYOPATHY AND WOOLLY HAIR; WOOLLY HAIR, PALMOPLANTAR KERATODERMA, AND CARDIAC ABNORMALITIES; CARDIOMYOPATHY, ARRHYTHMOGENIC RIGHT VENTRICULAR, WITH SKIN, HAIR, AND NAIL ABNORMALITIES. Identifiers: Orphanet 34217, MedGen C1832600, MONDO:0011017, OMIM 601214.
Arrhythmogenic right ventricular dysplasia 12. Also called: ARRHYTHMOGENIC RIGHT VENTRICULAR DYSPLASIA, FAMILIAL, 12. Identifiers: MedGen C1969081, MONDO:0012684, OMIM 611528.

Submission:

Labcorp Genetics (formerly Invitae), Labcorp
Classification: Uncertain significance for Arrhythmogenic right ventricular dysplasia 12; Naxos disease. Last evaluated: 2023-06-27. Review status: criteria provided, single submitter. Criteria: Invitae Variant Classification Sherloc (09022015). Collection method: clinical testing. Allele origin: germline.
Comment: This sequence change replaces lysine, which is basic and polar, with glutamic acid, which is acidic and polar, at codon 533 of the JUP protein (p.Lys533Glu). In summary, the available evidence is currently insufficient to determine the role of this variant in disease. Therefore, it has been classified as a Variant of Uncertain Significance. An algorithm developed to predict the effect of missense changes on protein structure and function (PolyPhen-2) suggests that this variant is likely to be disruptive. This variant has not been reported in the literature in individuals affected with JUP-related conditions. This variant is not present in population databases (gnomAD no frequency).

NM_002230.4(JUP):c.1597A>G (p.Lys533Glu)

Gene: JUP (junction plakoglobin; minus strand). Cytogenetic location: 17q21.2.
Variant type: single nucleotide variant.
Coding change: c.1597A>G on transcript NM_002230.4 (MANE Select); coding-DNA position 1597, A replaced by G.
Protein change: p.Lys533Glu; replaces lysine 533 with glutamic acid.
Molecular consequence: missense variant.
Genome position (GRCh38, 1-based): chr17:41,758,771, T>C on the plus strand (A>G on the coding strand, the complement: JUP is on the minus strand). VCF-style: chr17-41758771-T-C. GRCh37 (hg19) VCF-style: chr17-39915023-T-C.
Other names: c.1597A>G, p.Lys533Glu (NM_001352773.2, NM_001352774.2, NM_001352775.2 and 3 more transcripts); short protein forms K533E.
Identifiers: ClinVar variation 2937864 (VCV002937864.3), dbSNP rs2544055918, ClinGen allele CA399493741.
Genomic context (GRCh38, chr17:41,758,771, plus strand): 5'-ATACCGTGTAGGGCTGCTGTGTGCCTGCAGCTACGTGGCGCTGGGCATCCTGGTGGGCCT[T>C]CACCAGCAGTTGGACGAGGCGGGGGATGACCGCTGCCTCCTGCAGCGGGGCATGGTTGGC-3'
Protein context (NP_002221.1, residues 523-543): VIPRLVQLLV[Lys533Glu]AHQDAQRHVA